The following is an entry in ClinVar:

ClinVar aggregate classification (germline): Uncertain significance (1 of 4 stars; one submission).

Conditions:
Hereditary cancer-predisposing syndrome. Also called: Tumor predisposition; Neoplastic Syndromes, Hereditary; Hereditary Cancer Syndrome; Hereditary neoplastic syndrome. Identifiers: Orphanet 140162, MedGen C0027672, MeSH D009386, MONDO:0015356.

Submission:

Ambry Genetics
Classification: Uncertain significance for Hereditary cancer-predisposing syndrome. Last evaluated: 2022-04-24. Review status: criteria provided, single submitter. Criteria: Ambry Variant Classification Scheme 2023. Collection method: clinical testing. Allele origin: germline.
Comment: The p.S38C variant (also known as c.112A>T), located in coding exon 2 of the POT1 gene, results from an A to T substitution at nucleotide position 112. The serine at codon 38 is replaced by cysteine, an amino acid with dissimilar properties. This amino acid position is conserved. In addition, the in silico prediction for this alteration is inconclusive. Since supporting evidence is limited at this time, the clinical significance of this alteration remains unclear.

NM_015450.3(POT1):c.112A>T (p.Ser38Cys)

Gene: POT1 (protection of telomeres 1; minus strand). Cytogenetic location: 7q31.33.
Variant type: single nucleotide variant.
Coding change: c.112A>T on transcript NM_015450.3 (MANE Select); coding-DNA position 112, A replaced by T.
Protein change: p.Ser38Cys; replaces serine 38 with cysteine.
Molecular consequence: missense variant. On other transcripts: 5 prime UTR variant (1), non-coding transcript variant (3).
Genome position (GRCh38, 1-based): chr7:124,892,278, T>A on the plus strand (A>T on the coding strand, the complement: POT1 is on the minus strand). VCF-style: chr7-124892278-T-A. GRCh37 (hg19) VCF-style: chr7-124532332-T-A.
Other names: c.-151A>T (NM_001042594.2); short protein forms S38C.
Identifiers: ClinVar variation 1727829 (VCV001727829.2), dbSNP rs2485562484, ClinGen allele CA369065987.